The following is an entry in ClinVar:

ClinVar aggregate classification (germline): Uncertain significance (1 of 4 stars; one submission).

Conditions:
Emery-Dreifuss muscular dystrophy 5, autosomal dominant (EDMD5). Also called: EMERY-DREIFUSS MUSCULAR DYSTROPHY 5. Identifiers: Orphanet 261, MedGen C2751805, MONDO:0013072, OMIM 612999.

gnomAD v4.1: 27 of 1,613,448 alleles (0.0017%); highest among the groups gnomAD compares: Middle Eastern, 0.016%; no homozygotes.

Submission:

Labcorp Genetics (formerly Invitae), Labcorp
Classification: Uncertain significance for Emery-Dreifuss muscular dystrophy 5, autosomal dominant. Last evaluated: 2025-12-01. Review status: criteria provided, single submitter. Criteria: Invitae Variant Classification Sherloc (09022015). Collection method: clinical testing. Allele origin: germline.
Comment: This sequence change replaces lysine, which is basic and polar, with glutamic acid, which is acidic and polar, at codon 1171 of the SYNE2 protein (p.Lys1171Glu). This variant is present in population databases (rs756492660, gnomAD 0.002%). This variant has not been reported in the literature in individuals affected with SYNE2-related conditions. An algorithm developed to predict the effect of missense changes on protein structure and function outputs the following: PolyPhen-2: "Benign". The glutamic acid amino acid residue is found in multiple mammalian species, which suggests that this missense change does not adversely affect protein function. In summary, the available evidence is currently insufficient to determine the role of this variant in disease. Therefore, it has been classified as a Variant of Uncertain Significance.

NM_182914.3(SYNE2):c.3511A>G (p.Lys1171Glu)

Gene: SYNE2 (spectrin repeat containing nuclear envelope protein 2; plus strand). Cytogenetic location: 14q23.2.
Variant type: single nucleotide variant.
Coding change: c.3511A>G on transcript NM_182914.3 (MANE Select); coding-DNA position 3511, A replaced by G.
Protein change: p.Lys1171Glu; replaces lysine 1171 with glutamic acid.
Molecular consequence: missense variant.
Genome position (GRCh38, 1-based): chr14:64,000,592, A>G. VCF-style: chr14-64000592-A-G. GRCh37 (hg19) VCF-style: chr14-64467310-A-G.
Other names: c.3511A>G, p.Lys1171Glu (NM_015180.6); short protein forms K1171E.
Identifiers: ClinVar variation 4808501 (VCV004808501.1).
Genomic context (GRCh38, chr14:64,000,592, plus strand): 5'-TTGATAAATTAATTTATGTGTTCCATCTAGGTCATAAAAAATGAAACTGATGCTCGCTGG[A>G]AAGAGTTTGAAATTATTTCATTGAAGTTAGAAAATCATGTGAATGACATAAAAAAGCCTT-3'
Protein context (NP_878918.2, residues 1161-1181): VIKNETDARW[Lys1171Glu]EFEIISLKLE